The following is an entry in ClinVar:

ClinVar aggregate classification (germline): Uncertain significance (1 of 4 stars; one submission).

Conditions:
Neuropathy, hereditary sensory and autonomic, type 2A (HSAN2A). Also called: MORVAN DISEASE; NEUROPATHY, CONGENITAL SENSORY; NEUROPATHY, HEREDITARY SENSORY RADICULAR, AUTOSOMAL RECESSIVE; NEUROPATHY, HEREDITARY SENSORY, TYPE IIA; NEUROPATHY, PROGRESSIVE SENSORY, OF CHILDREN; ACROOSTEOLYSIS, GIACCAI TYPE. Identifiers: Orphanet 970, MedGen C2752089, MONDO:0024309, OMIM 201300.
Generalized epilepsy with febrile seizures plus, type 7 (GEFSP7). Also called: GEFS+, TYPE 7. Identifiers: Orphanet 36387, MedGen C2751778, MONDO:0013470, OMIM 613863.

Allele frequency attached by ClinVar (database versions not stated): TOPMed below 0.00001.

Submission:

Labcorp Genetics (formerly Invitae), Labcorp
Classification: Uncertain significance for Neuropathy, hereditary sensory and autonomic, type 2A; Generalized epilepsy with febrile seizures plus, type 7. Last evaluated: 2023-07-29. Review status: criteria provided, single submitter. Criteria: Invitae Variant Classification Sherloc (09022015). Collection method: clinical testing. Allele origin: germline.
Comment: ClinVar contains an entry for this variant (Variation ID: 1058377). This variant has not been reported in the literature in individuals affected with SCN9A-related conditions. This variant is not present in population databases (gnomAD no frequency). This sequence change replaces cysteine, which is neutral and slightly polar, with phenylalanine, which is neutral and non-polar, at codon 1248 of the SCN9A protein (p.Cys1248Phe). Advanced modeling of protein sequence and biophysical properties (such as structural, functional, and spatial information, amino acid conservation, physicochemical variation, residue mobility, and thermodynamic stability) has been performed at Invitae for this missense variant, however the output from this modeling did not meet the statistical confidence thresholds required to predict the impact of this variant on SCN9A protein function. In summary, the available evidence is currently insufficient to determine the role of this variant in disease. Therefore, it has been classified as a Variant of Uncertain Significance.

NM_001365536.1(SCN9A):c.3776G>T (p.Cys1259Phe)

Genes: SCN9A (sodium voltage-gated channel alpha subunit 9; minus strand), SCN1A-AS1 (SCN1A and SCN9A antisense RNA 1; plus strand). Cytogenetic location: 2q24.3.
Variant type: single nucleotide variant.
Coding change: c.3776G>T on transcript NM_001365536.1 (MANE Select); coding-DNA position 3776, G replaced by T.
Protein change: p.Cys1259Phe; replaces cysteine 1259 with phenylalanine.
Molecular consequence: missense variant.
Genome position (GRCh38, 1-based): chr2:166,238,119, C>A on the plus strand (G>T on the coding strand, the complement: SCN9A is on the minus strand). VCF-style: chr2-166238119-C-A. GRCh37 (hg19) VCF-style: chr2-167094629-C-A.
Other names: c.3743G>T, p.Cys1248Phe (NM_002977.4); short protein forms C1248F, C1259F.
Identifiers: ClinVar variation 1058377 (VCV001058377.9), dbSNP rs1574780660, ClinGen allele CA349068458.